The following is an entry in ClinVar:

ClinVar aggregate classification (germline): Uncertain significance. Review status: criteria provided, multiple submitters, no conflicts (2 of 4 stars). 3 submissions from 3 submitters: Uncertain significance (3). Last evaluated 2025-03-19.

Conditions:
Hereditary cancer-predisposing syndrome. Also called: Tumor predisposition; Hereditary neoplastic syndrome; Hereditary Cancer Syndrome; Neoplastic Syndromes, Hereditary. Identifiers: Orphanet 140162, MedGen C0027672, MeSH D009386, MONDO:0015356.
Retinoblastoma (RB1). Also called: RETINOBLASTOMA, SOMATIC. Identifiers: Orphanet 790, MedGen C0035335, MeSH D012175, MONDO:0008380, OMIM 180200, HP:0009919. Disease mechanism: loss of function. Inheritance: Both sporadic and heritable forms are tested..

Allele frequency attached by ClinVar (database versions not stated): gnomAD exomes below 0.00001.

Submissions (3):

Labcorp Genetics (formerly Invitae), Labcorp
Classification: Uncertain significance for Retinoblastoma. Last evaluated: 2025-03-19. Review status: criteria provided, single submitter. Criteria: Invitae Variant Classification Sherloc (09022015). Collection method: clinical testing. Allele origin: germline.
Comment: This sequence change replaces leucine, which is neutral and non-polar, with phenylalanine, which is neutral and non-polar, at codon 326 of the RB1 protein (p.Leu326Phe). This variant is not present in population databases (gnomAD no frequency). This variant has not been reported in the literature in individuals affected with RB1-related conditions. ClinVar contains an entry for this variant (Variation ID: 577107). Invitae Evidence Modeling of protein sequence and biophysical properties (such as structural, functional, and spatial information, amino acid conservation, physicochemical variation, residue mobility, and thermodynamic stability) indicates that this missense variant is not expected to disrupt RB1 protein function with a negative predictive value of 80%. In summary, the available evidence is currently insufficient to determine the role of this variant in disease. Therefore, it has been classified as a Variant of Uncertain Significance.

All of Us Research Program, National Institutes of Health
Classification: Uncertain significance for Retinoblastoma. Last evaluated: 2024-05-14. Review status: criteria provided, single submitter. Criteria: ACMG Guidelines, 2015. Collection method: clinical testing. Allele origin: germline. Inheritance: Autosomal dominant inheritance. Observed: 2 variant alleles, 2 heterozygotes.
Comment: This missense variant replaces leucine with phenylalanine at codon 326 of the RB1 protein. Computational prediction suggests that this variant may not impact protein structure and function (internally defined REVEL score threshold <= 0.5, PMID: 27666373). To our knowledge, functional studies have not been reported for this variant. This variant has not been reported in individuals affected with RB1-related disorders in the literature. This variant has not been identified in the general population by the Genome Aggregation Database (gnomAD). The available evidence is insufficient to determine the role of this variant in disease conclusively. Therefore, this variant is classified as a Variant of Uncertain Significance.

This study involves interpretation of variants in research participants for the purpose of population health screening. Participant phenotype was not available at the time of variant classification. Additional details can be found in publication PMID: 35346344, PMCID: PMC8962531

Ambry Genetics
Classification: Uncertain significance for Hereditary cancer-predisposing syndrome. Last evaluated: 2022-10-06. Review status: criteria provided, single submitter. Criteria: Ambry Variant Classification Scheme 2023. Collection method: clinical testing. Allele origin: germline.
Comment: The p.L326F variant (also known as c.976C>T), located in coding exon 10 of the RB1 gene, results from a C to T substitution at nucleotide position 976. The leucine at codon 326 is replaced by phenylalanine, an amino acid with highly similar properties. This amino acid position is not well conserved in available vertebrate species. In addition, the in silico prediction for this alteration is inconclusive. Since supporting evidence is limited at this time, the clinical significance of this alteration remains unclear.

NM_000321.3(RB1):c.976C>T (p.Leu326Phe)

Gene: RB1 (RB transcriptional corepressor 1; plus strand). Cytogenetic location: 13q14.2.
Variant type: single nucleotide variant.
Coding change: c.976C>T on transcript NM_000321.3 (MANE Select); coding-DNA position 976, C replaced by T.
Protein change: p.Leu326Phe; replaces leucine 326 with phenylalanine.
Molecular consequence: missense variant.
Genome position (GRCh38, 1-based): chr13:48,367,530, C>T. VCF-style: chr13-48367530-C-T. GRCh37 (hg19) VCF-style: chr13-48941666-C-T.
Other names: short protein forms L326F.
Identifiers: ClinVar variation 577107 (VCV000577107.17), dbSNP rs1566194351, ClinGen allele CA388160690.
Genomic context (GRCh38, chr13:48,367,530, plus strand): 5'-TGTCAGTGACTTTTTTCTTTCAAGGTTGAAAATCTTTCTAAACGATACGAAGAAATTTAT[C>T]TTAAAAATAAAGATCTAGATGCAAGATTATTTTTGGATCATGATAAAACTCTTCAGACTG-3'
Protein context (NP_000312.2, residues 316-336): NLSKRYEEIY[Leu326Phe]KNKDLDARLF